The following is an entry in ClinVar:

ClinVar aggregate classification (germline): Conflicting classifications of pathogenicity. Review status: criteria provided, conflicting classifications (1 of 4 stars). 3 submissions from 3 submitters: Uncertain significance (1); Likely benign (2). Last evaluated 2025-10-01.

Conditions:
Inborn genetic diseases. Identifiers: MedGen C0950123, MeSH D030342.

Allele frequency attached by ClinVar (database versions not stated): ESP Exome Variant Server 0.00008; ExAC 0.00019; gnomAD 0.00025; 1000 Genomes Project 30x 0.00031; 1000 Genomes Project 0.00040.
gnomAD v4.1: 76 of 1,605,708 alleles (0.0047%); highest among the groups gnomAD compares: Admixed American, 0.072%; no homozygotes.

Submissions (3):

CeGaT Center for Human Genetics Tuebingen
Classification: Likely benign. Last evaluated: 2025-10-01. Review status: criteria provided, single submitter. Criteria: CeGaT Center For Human Genetics Tuebingen Variant Classification Criteria Version 2. Collection method: clinical testing. Allele origin: germline. Affected: yes. Observed: 1 variant allele.
Comment: EPAS1: BP4

Labcorp Genetics (formerly Invitae), Labcorp
Classification: Uncertain significance. Last evaluated: 2025-05-09. Review status: criteria provided, single submitter. Criteria: Invitae Variant Classification Sherloc (09022015). Collection method: clinical testing. Allele origin: germline.
Comment: This sequence change replaces proline, which is neutral and non-polar, with leucine, which is neutral and non-polar, at codon 465 of the EPAS1 protein (p.Pro465Leu). This variant is present in population databases (rs199710213, gnomAD 0.02%). This variant has not been reported in the literature in individuals affected with EPAS1-related conditions. ClinVar contains an entry for this variant (Variation ID: 2152754). An algorithm developed to predict the effect of missense changes on protein structure and function outputs the following: PolyPhen-2: "Benign". The leucine amino acid residue is found in multiple mammalian species, which suggests that this missense change does not adversely affect protein function. In summary, the available evidence is currently insufficient to determine the role of this variant in disease. Therefore, it has been classified as a Variant of Uncertain Significance.

Ambry Genetics
Classification: Likely benign for Inborn genetic diseases. Last evaluated: 2024-02-28. Review status: criteria provided, single submitter. Criteria: Ambry Variant Classification Scheme 2023. Collection method: clinical testing. Allele origin: germline.

NM_001430.5(EPAS1):c.1394C>T (p.Pro465Leu)

Gene: EPAS1 (endothelial PAS domain protein 1; plus strand). Cytogenetic location: 2p21.
Variant type: single nucleotide variant.
Coding change: c.1394C>T on transcript NM_001430.5 (MANE Select); coding-DNA position 1394, C replaced by T.
Protein change: p.Pro465Leu; replaces proline 465 with leucine.
Molecular consequence: missense variant.
Genome position (GRCh38, 1-based): chr2:46,378,038, C>T. VCF-style: chr2-46378038-C-T. GRCh37 (hg19) VCF-style: chr2-46605177-C-T.
Other names: c.1394C>T (NM_001430.4); short protein forms P465L.
Identifiers: ClinVar variation 2152754 (VCV002152754.12), dbSNP rs199710213, ClinGen allele CA1644969.